The following is an entry in ClinVar:

NM_000193.4(SHH):c.1171G>A (p.Ala391Thr)

Gene: SHH (sonic hedgehog signaling molecule; minus strand). Cytogenetic location: 7q36.3.
Variant type: single nucleotide variant.
Coding change: c.1171G>A on transcript NM_000193.4 (MANE Select); coding-DNA position 1171, G replaced by A.
Protein change: p.Ala391Thr; replaces alanine 391 with threonine.
Molecular consequence: missense variant. On other transcripts: intron variant (1).
Genome position (GRCh38, 1-based): chr7:155,803,118, C>T on the plus strand (G>A on the coding strand, the complement: SHH is on the minus strand). VCF-style: chr7-155803118-C-T. GRCh37 (hg19) VCF-style: chr7-155595812-C-T.
Other names: c.1171G>A (NM_000193.2); c.302-2873G>A (NM_001310462.2); short protein forms A391T.
Identifiers: ClinVar variation 430943 (VCV000430943.4), dbSNP rs1131692264, ClinGen allele CA370144830.

ClinVar aggregate classification (germline): Uncertain significance. Review status: criteria provided, multiple submitters, no conflicts (2 of 4 stars). 2 submissions from 2 submitters: Uncertain significance (2). Last evaluated 2023-12-06.

Conditions:
Holoprosencephaly 3 (HPE3). Identifiers: Orphanet 2162, MedGen C1840529, MONDO:0007733, OMIM 142945.

Allele frequency attached by ClinVar (database versions not stated): 1000 Genomes Project 30x 0.00016; gnomAD 0.00001.
gnomAD v4.1: 5 of 1,355,852 alleles (0.00037%); highest among the groups gnomAD compares: East Asian, 0.0031%; no homozygotes.

Submissions (2):

GeneDx
Classification: Uncertain significance. Last evaluated: 2023-12-06. Review status: criteria provided, single submitter. Criteria: GeneDx Variant Classification Process June 2021. Collection method: clinical testing. Allele origin: germline. Affected: yes.
Comment: Reported previously in a patient with holoprosencephaly; however, no further clinical or segregation information was provided (PMID: 19603532); Published functional studies in zebrafish describe this variant as essentially normal (PMID: 32939873); In silico analysis supports that this missense variant does not alter protein structure/function; Not observed at significant frequency in large population cohorts (gnomAD); This variant is associated with the following publications: (PMID: 32939873, 19603532)

Bioinformatics dept., Datar Cancer Genetics Limited, India
Classification: Uncertain significance for Holoprosencephaly 3. Last evaluated: 2017-07-25. Review status: criteria provided, single submitter. Criteria: ACMG Guidelines, 2015. Collection method: clinical testing. Allele origin: germline. Inheritance: Autosomal dominant inheritance. Observed: 1 variant allele, 1 heterozygote.

Literature cited by the submitters: PubMed 19603532 (cited by Bioinformatics dept., Datar Cancer Genetics Limited, India).